The following is an entry in ClinVar:

NM_016107.5(ZFR):c.2366T>G (p.Leu789Trp)

Gene: ZFR (zinc finger RNA binding protein; minus strand). Cytogenetic location: 5p13.3.
Variant type: single nucleotide variant.
Coding change: c.2366T>G on transcript NM_016107.5 (MANE Select); coding-DNA position 2366, T replaced by G.
Protein change: p.Leu789Trp; replaces leucine 789 with tryptophan.
Molecular consequence: missense variant. On other transcripts: non-coding transcript variant (1).
Genome position (GRCh38, 1-based): chr5:32,387,682, A>C on the plus strand (T>G on the coding strand, the complement: ZFR is on the minus strand). VCF-style: chr5-32387682-A-C. GRCh37 (hg19) VCF-style: chr5-32387788-A-C.
Other names: short protein forms L789W.
Identifiers: ClinVar variation 1718782 (VCV001718782.6), dbSNP rs2478354913, ClinGen allele CA359353721.

ClinVar aggregate classification (germline): Uncertain significance (1 of 4 stars; one submission).

Conditions:
Pure or complex autosomal recessive spastic paraplegia. Identifiers: Orphanet 320346, MedGen C5679887, MONDO:0017915.

Submission:

Labcorp Genetics (formerly Invitae), Labcorp
Classification: Uncertain significance for Pure or complex autosomal recessive spastic paraplegia. Last evaluated: 2024-12-09. Review status: criteria provided, single submitter. Criteria: Invitae Variant Classification Sherloc (09022015). Collection method: clinical testing. Allele origin: germline.
Comment: This sequence change replaces leucine, which is neutral and non-polar, with tryptophan, which is neutral and slightly polar, at codon 789 of the ZFR protein (p.Leu789Trp). This variant is not present in population databases (gnomAD no frequency). This variant has not been reported in the literature in individuals affected with ZFR-related conditions. ClinVar contains an entry for this variant (Variation ID: 1718782). Experimental studies and prediction algorithms are not available or were not evaluated, and the functional significance of this variant is currently unknown. In summary, the available evidence is currently insufficient to determine the role of this variant in disease. Therefore, it has been classified as a Variant of Uncertain Significance.